The following is an entry in ClinVar:

ClinVar aggregate classification (germline): Uncertain significance (1 of 4 stars; one submission).

Conditions:
Epilepsy, childhood absence, susceptibility to, 1. Also called: Epilepsy, childhood absence 1. Identifiers: Orphanet 64280, MedGen C1838604, MONDO:0020759, OMIM 600131.
Epilepsy, childhood absence, susceptibility to, 5. Identifiers: Orphanet 64280, MedGen C2677087, MONDO:0012843, OMIM 612269.

Submission:

Labcorp Genetics (formerly Invitae), Labcorp
Classification: Uncertain significance for Epilepsy, childhood absence, susceptibility to, 5; Epilepsy, childhood absence, susceptibility to, 1. Last evaluated: 2023-10-27. Review status: criteria provided, single submitter. Criteria: Invitae Variant Classification Sherloc (09022015). Collection method: clinical testing. Allele origin: germline.
Comment: This sequence change replaces aspartic acid, which is acidic and polar, with alanine, which is neutral and non-polar, at codon 30 of the GABRB3 protein (p.Asp30Ala). This variant is not present in population databases (gnomAD no frequency). This variant has not been reported in the literature in individuals affected with GABRB3-related conditions. Advanced modeling of protein sequence and biophysical properties (such as structural, functional, and spatial information, amino acid conservation, physicochemical variation, residue mobility, and thermodynamic stability) has been performed at Invitae for this missense variant, however the output from this modeling did not meet the statistical confidence thresholds required to predict the impact of this variant on GABRB3 protein function. In summary, the available evidence is currently insufficient to determine the role of this variant in disease. Therefore, it has been classified as a Variant of Uncertain Significance.

NM_000814.6(GABRB3):c.89A>C (p.Asp30Ala)

Gene: GABRB3 (gamma-aminobutyric acid type A receptor subunit beta3; minus strand). Cytogenetic location: 15q12.
Variant type: single nucleotide variant.
Coding change: c.89A>C on transcript NM_000814.6 (MANE Select); coding-DNA position 89, A replaced by C.
Protein change: p.Asp30Ala; replaces aspartic acid 30 with alanine.
Molecular consequence: missense variant. On other transcripts: 5 prime UTR variant (1).
Genome position (GRCh38, 1-based): chr15:26,772,764, T>G on the plus strand (A>C on the coding strand, the complement: GABRB3 is on the minus strand). VCF-style: chr15-26772764-T-G. GRCh37 (hg19) VCF-style: chr15-27017911-T-G.
Other names: c.-263A>C (NM_001278631.2); c.89A>C, p.Asp30Ala (NM_021912.5); short protein forms D30A.
Identifiers: ClinVar variation 2953315 (VCV002953315.3), dbSNP rs2504095267, ClinGen allele CA391465514.